The following is an entry in ClinVar:

NM_000894.3(LHB):c.278C>G (p.Pro93Arg)

Gene: LHB (luteinizing hormone subunit beta; minus strand). Cytogenetic location: 19q13.33.
Variant type: single nucleotide variant.
Coding change: c.278C>G on transcript NM_000894.3 (MANE Select); coding-DNA position 278, C replaced by G.
Protein change: p.Pro93Arg; replaces proline 93 with arginine.
Molecular consequence: missense variant.
Genome position (GRCh38, 1-based): chr19:49,016,216, G>C on the plus strand (C>G on the coding strand, the complement: LHB is on the minus strand). VCF-style: chr19-49016216-G-C. GRCh37 (hg19) VCF-style: chr19-49519473-G-C.
Other names: short protein forms P93R.
Identifiers: ClinVar variation 2384183 (VCV002384183.4), dbSNP rs532920492, ClinGen allele CA9564298.

ClinVar aggregate classification (germline): Uncertain significance. Review status: criteria provided, multiple submitters, no conflicts (2 of 4 stars). 2 submissions from 2 submitters: Uncertain significance (2). Last evaluated 2024-05-15.

Allele frequency attached by ClinVar (database versions not stated): 1000 Genomes Project 30x 0.00016; 1000 Genomes Project 0.00020.
gnomAD v4.1: 208 of 1,612,522 alleles (0.013%); highest among the groups gnomAD compares: East Asian, 0.24%; no homozygotes.

Submissions (2):

Labcorp Genetics (formerly Invitae), Labcorp
Classification: Uncertain significance. Last evaluated: 2024-05-15. Review status: criteria provided, single submitter. Criteria: Invitae Variant Classification Sherloc (09022015). Collection method: clinical testing. Allele origin: germline.
Comment: This sequence change replaces proline, which is neutral and non-polar, with arginine, which is basic and polar, at codon 93 of the LHB protein (p.Pro93Arg). This variant is present in population databases (rs532920492, gnomAD 0.1%). This variant has not been reported in the literature in individuals affected with LHB-related conditions. ClinVar contains an entry for this variant (Variation ID: 2384183). Algorithms developed to predict the effect of missense changes on protein structure and function output the following: SIFT: "Not Available"; PolyPhen-2: "Benign"; Align-GVGD: "Not Available". The arginine amino acid residue is found in multiple mammalian species, which suggests that this missense change does not adversely affect protein function. In summary, the available evidence is currently insufficient to determine the role of this variant in disease. Therefore, it has been classified as a Variant of Uncertain Significance.

Ambry Genetics
Classification: Uncertain significance. Last evaluated: 2022-04-08. Review status: criteria provided, single submitter. Criteria: Ambry Variant Classification Scheme 2023. Collection method: clinical testing. Allele origin: germline.